The following is an entry in ClinVar:

ClinVar aggregate classification (germline): Likely pathogenic (1 of 4 stars; one submission).

Conditions:
L1 syndrome. Identifiers: Orphanet 275543, MedGen C5779710, MONDO:0017140.

Submission:

Women's Health and Genetics/Laboratory Corporation of America, LabCorp
Classification: Likely pathogenic for L1 syndrome. Last evaluated: 2022-10-19. Review status: criteria provided, single submitter. Criteria: LabCorp Variant Classification Summary - May 2015. Collection method: clinical testing. Allele origin: germline.
Comment: Variant summary: L1CAM c.2432-1G>A is located in a canonical splice-site and is predicted to affect mRNA splicing resulting in a significantly altered protein due to either exon skipping, shortening, or inclusion of intronic material. Several computational tools predict a significant impact on normal splicing, indicating the variant abolishes a 3' acceptor site and creates a new cryptic exonic one. However, these predictions have yet to be confirmed by functional studies. The variant was absent in 183290 control chromosomes (gnomAD). To our knowledge, no occurrence of c.2432-1G>A in individuals affected with L1 Syndrome and no experimental evidence demonstrating its impact on protein function have been reported. No clinical diagnostic laboratories have submitted clinical-significance assessments for this variant to ClinVar after 2014. Based on the evidence outlined above, the variant was classified as likely pathogenic.

NM_001278116.2(L1CAM):c.2432-1G>A

Gene: L1CAM (L1 cell adhesion molecule; minus strand). Cytogenetic location: Xq28.
Variant type: single nucleotide variant.
Coding change: c.2432-1G>A on transcript NM_001278116.2 (MANE Select); the canonical splice acceptor site of the intron before coding-DNA position 2432, G replaced by A.
Molecular consequence: splice acceptor variant.
Genome position (GRCh38, 1-based): chrX:153,865,820, C>T on the plus strand (G>A on the coding strand, the complement: L1CAM is on the minus strand). VCF-style: chrX-153865820-C-T. GRCh37 (hg19) VCF-style: chrX-153131275-C-T.
Other names: c.2417-1G>A (NM_001143963.2); c.2432-1G>A (NM_024003.3, NM_000425.5).
Identifiers: ClinVar variation 1723339 (VCV001723339.1), dbSNP rs2520978838, ClinGen allele CA415117959.